The following is an entry in ClinVar:

ClinVar aggregate classification (germline): Uncertain significance (1 of 4 stars; one submission).

Conditions:
Spinocerebellar ataxia type 42. Identifiers: Orphanet 458803, MedGen C4225205, MONDO:0014776, OMIM 616795.

Submission:

Broad Center for Mendelian Genomics, Broad Institute of MIT and Harvard
Classification: Uncertain significance for Spinocerebellar ataxia type 42. Last evaluated: 2026-08-12. Review status: criteria provided, single submitter. Criteria: ACMG Guidelines, 2015. Collection method: research. Allele origin: germline. Inheritance: Autosomal dominant inheritance. Study: GREGoR Consortium.
Comment: Trio genome analysis showed this variant to be de novo. The c.242+22C>T variant in CACNA1G has not been previously reported in the literature in individuals with spinocerebellar ataxia and was absent from large population studies. Computational prediction tools and conservation analyses do not provide strong support for or against an impact to the protein. In summary, the clinical significance of the c.242+22C>T variant is uncertain. ACMG/AMP Criteria applied: PS2_moderate, PM2_supporting (Richards 2015).

NM_018896.5(CACNA1G):c.242+22C>T

Genes: CACNA1G (calcium voltage-gated channel subunit alpha1 G; plus strand), CACNA1G-AS1 (CACNA1G antisense RNA 1; minus strand). Cytogenetic location: 17q21.33.
Variant type: single nucleotide variant.
Coding change: c.242+22C>T on transcript NM_018896.5 (MANE Select); 22 bases into the intron after coding-DNA position 242, C replaced by T.
Molecular consequence: intron variant.
Genome position (GRCh38, 1-based): chr17:50,561,723, C>T. VCF-style: chr17-50561723-C-T. GRCh37 (hg19) VCF-style: chr17-48639084-C-T.
Other names: NM_198396.3:c.242+22C>T; c.242+22C>T (NM_198385.3, NM_198384.3, NM_001256333.2 and 24 more transcripts).
Identifiers: ClinVar variation 4974516 (VCV004974516.1).